The following is an entry in ClinVar:

NM_182914.3(SYNE2):c.9643_9646del (p.Gln3215fs)

Gene: SYNE2 (spectrin repeat containing nuclear envelope protein 2; plus strand). Cytogenetic location: 14q23.2.
Variant type: Deletion.
Coding change: c.9643_9646del on transcript NM_182914.3 (MANE Select); coding-DNA positions 9643 to 9646, 4 bases deleted (CAAA; older notation c.9643_9646delCAAA).
Protein change: p.Gln3215fs; shifts the reading frame from glutamine 3215.
Molecular consequence: frameshift variant.
Genome position (GRCh38, 1-based): chr14:64,053,556-64,053,559, CAAA deleted; deleting any 4 consecutive bases within chr14:64,053,553-64,053,559 gives the same sequence; the c. name uses the placement nearest the transcript's 3' end. VCF-style (leftmost placement, unchanged base first): chr14-64053552-GAAAC-G. GRCh37 (hg19) VCF-style: chr14-64520270-GAAAC-G.
Other names: c.9643_9646del, p.Gln3215fs (NM_015180.6); short protein forms Q3215fs.
Identifiers: ClinVar variation 4538372 (VCV004538372.1).

ClinVar aggregate classification (germline): Uncertain significance (1 of 4 stars; one submission).

Submission:

Greenwood Genetic Center Diagnostic Laboratories, Greenwood Genetic Center
Classification: Uncertain significance. Last evaluated: 2025-04-21. Review status: criteria provided, single submitter. Criteria: ACMG Guidelines, 2015. Collection method: clinical testing. Allele origin: germline. Affected: yes.
Comment: PM2